The following is an entry in ClinVar:

NM_001322934.2(NFKB2):c.766+1G>A

Gene: NFKB2 (nuclear factor kappa B subunit 2; plus strand). Cytogenetic location: 10q24.32.
Variant type: single nucleotide variant.
Coding change: c.766+1G>A on transcript NM_001322934.2 (MANE Select); the canonical splice donor site of the intron after coding-DNA position 766, G replaced by A.
Molecular consequence: splice donor variant.
Genome position (GRCh38, 1-based): chr10:102,398,086, G>A. VCF-style: chr10-102398086-G-A. GRCh37 (hg19) VCF-style: chr10-104157843-G-A.
Other names: c.766+1G>A (NM_001288724.1, NM_001322935.1, NM_001077494.3 and 2 more transcripts).
Identifiers: ClinVar variation 950292 (VCV000950292.8), dbSNP rs2061148748, ClinGen allele CA377897452.

ClinVar aggregate classification (germline): Uncertain significance (1 of 4 stars; one submission).

Conditions:
Immunodeficiency, common variable, 10. Also called: IMMUNODEFICIENCY, COMMON VARIABLE, WITH CENTRAL ADRENAL INSUFFICIENCY; DEFICIT IN ANTERIOR PITUITARY FUNCTION AND VARIABLE IMMUNODEFICIENCY. Identifiers: MedGen C3809991, MONDO:0014260, OMIM 615577.

Submission:

Labcorp Genetics (formerly Invitae), Labcorp
Classification: Uncertain significance for Immunodeficiency, common variable, 10. Last evaluated: 2022-07-06. Review status: criteria provided, single submitter. Criteria: Invitae Variant Classification Sherloc (09022015). Collection method: clinical testing. Allele origin: germline.
Comment: This variant is not present in population databases (gnomAD no frequency). In summary, the available evidence is currently insufficient to determine the role of this variant in disease. Therefore, it has been classified as a Variant of Uncertain Significance. Algorithms developed to predict the effect of sequence changes on RNA splicing suggest that this variant may disrupt the consensus splice site. ClinVar contains an entry for this variant (Variation ID: 950292). This variant has not been reported in the literature in individuals affected with NFKB2-related conditions. This sequence change affects a donor splice site in intron 9 of the NFKB2 gene. It is expected to disrupt RNA splicing. Variants that disrupt the donor or acceptor splice site typically lead to a loss of protein function (PMID: 16199547), however the current clinical and genetic evidence is not sufficient to establish whether loss-of-function variants in NFKB2 cause disease.

Literature cited by the submitters: PubMed 16199547.